The following is an entry in ClinVar:

ClinVar aggregate classification (germline): Pathogenic (1 of 4 stars; one submission).

Conditions:
Familial cancer of breast. Also called: hereditary breast carcinoma; BREAST CANCER, FAMILIAL; Hereditary breast cancer. Identifiers: Orphanet 227535, MedGen C0346153, MONDO:0016419, OMIM 114480. Disease mechanism: loss of function.

Submission:

Myriad Genetics, Inc.
Classification: Pathogenic for Familial cancer of breast. Last evaluated: 2024-01-30. Review status: criteria provided, single submitter. Criteria: Myriad Autosomal Dominant, Autosomal Recessive and X-Linked Classification Criteria (2023). Collection method: clinical testing. Allele origin: unknown.
Comment: This variant is considered pathogenic. This variant creates a termination codon and is predicted to result in premature protein truncation.

NM_000051.4(ATM):c.7169T>A (p.Leu2390Ter)

Genes: ATM (ATM serine/threonine kinase; plus strand), C11orf65 (chromosome 11 open reading frame 65; minus strand). Cytogenetic location: 11q22.3.
Variant type: single nucleotide variant.
Coding change: c.7169T>A on transcript NM_000051.4 (MANE Select); coding-DNA position 7169, T replaced by A.
Protein change: p.Leu2390Ter; replaces leucine 2390 with a stop codon.
Molecular consequence: nonsense. On other transcripts: intron variant (2).
Genome position (GRCh38, 1-based): chr11:108,329,100, T>A. VCF-style: chr11-108329100-T-A. GRCh37 (hg19) VCF-style: chr11-108199827-T-A.
Other names: c.7169T>A, p.Leu2390Ter (NM_001351834.2); c.641-20029A>T (NM_001330368.2); c.*38+6120A>T (NM_001351110.2); short protein forms L2390*.
Identifiers: ClinVar variation 3148273 (VCV003148273.1), dbSNP rs2547248257, ClinGen allele CA382559549.